The following is an entry in ClinVar:

NM_018076.5(ODAD2):c.1996C>T (p.Arg666Trp)

Gene: ODAD2 (outer dynein arm docking complex subunit 2; minus strand). Cytogenetic location: 10p12.1.
Variant type: single nucleotide variant.
Coding change: c.1996C>T on transcript NM_018076.5 (MANE Select); coding-DNA position 1996, C replaced by T.
Protein change: p.Arg666Trp; replaces arginine 666 with tryptophan.
Molecular consequence: missense variant.
Genome position (GRCh38, 1-based): chr10:27,939,998, G>A on the plus strand (C>T on the coding strand, the complement: ODAD2 is on the minus strand). VCF-style: chr10-27939998-G-A. GRCh37 (hg19) VCF-style: chr10-28228927-G-A.
Other names: c.1996C>T, p.Arg666Trp (NM_001290020.2); c.571C>T, p.Arg191Trp (NM_001290021.2); c.1072C>T, p.Arg358Trp (NM_001312689.2); short protein forms R191W, R358W, R666W.
Identifiers: ClinVar variation 3409761 (VCV003409761.1).

ClinVar aggregate classification (germline): Uncertain significance (1 of 4 stars; one submission).

Conditions:
Primary ciliary dyskinesia. Also called: Ciliary dyskinesia. Identifiers: Orphanet 244, MedGen C0008780, MONDO:0016575, HP:0012265.

gnomAD v4.1: 16 of 1,601,858 alleles (0.001%); highest among the groups gnomAD compares: East Asian, 0.0046%; no homozygotes.

Submission:

Ambry Genetics
Classification: Uncertain significance for Primary ciliary dyskinesia. Last evaluated: 2024-08-25. Review status: criteria provided, single submitter. Criteria: Ambry Variant Classification Scheme 2023. Collection method: clinical testing. Allele origin: germline.
Comment: The p.R666W variant (also known as c.1996C>T), located in coding exon 13 of the ARMC4 gene, results from a C to T substitution at nucleotide position 1996. The arginine at codon 666 is replaced by tryptophan, an amino acid with dissimilar properties. This amino acid position is conserved. In addition, this alteration is predicted to be deleterious by in silico analysis. Based on the available evidence, the clinical significance of this variant remains unclear.